The following is an entry in ClinVar:

ClinVar aggregate classification (germline): Pathogenic. Review status: criteria provided, multiple submitters, no conflicts (2 of 4 stars). 3 submissions from 3 submitters: Pathogenic (2). 1 of the submissions does not count toward it. Last evaluated 2024-10-26.

Conditions:
Rare genetic deafness. Identifiers: Orphanet 96210, MedGen C5680250.
Hearing loss, autosomal recessive. Also called: Deafness, autosomal recessive; Nonsyndromic Hearing Loss, Recessive; Autosomal recessive nonsyndromic deafness; Rare autosomal recessive non-syndromic sensorineural deafness type DFNB. Identifiers: Orphanet 90635, Orphanet 90636, MedGen C1846647, MONDO:0019588, OMIM 607197.

Submissions (3):

Labcorp Genetics (formerly Invitae), Labcorp
Classification: Pathogenic. Last evaluated: 2024-10-26. Review status: criteria provided, single submitter. Criteria: Invitae Variant Classification Sherloc (09022015). Collection method: clinical testing. Allele origin: germline.
Comment: This sequence change affects a donor splice site in intron 46 of the CDH23 gene. It is expected to disrupt RNA splicing. Variants that disrupt the donor or acceptor splice site typically lead to a loss of protein function (PMID: 16199547), and loss-of-function variants in CDH23 are known to be pathogenic (PMID: 11138009, 21940737). This variant is not present in population databases (gnomAD no frequency). Disruption of this splice site has been observed in individual(s) with Usher syndrome (PMID: 8894709, 11090341). It has also been observed to segregate with disease in related individuals. ClinVar contains an entry for this variant (Variation ID: 45999). Algorithms developed to predict the effect of sequence changes on RNA splicing suggest that this variant may disrupt the consensus splice site. For these reasons, this variant has been classified as Pathogenic.

Laboratory for Molecular Medicine, Mass General Brigham Personalized Medicine
Classification: Pathogenic for Rare genetic deafness. Last evaluated: 2007-01-24. Review status: criteria provided, single submitter. Criteria: LMM Criteria. Collection method: clinical testing. Allele origin: germline. Observed: 1 variant allele.

University of Washington Center for Mendelian Genomics, University of Washington
Classification: Likely pathogenic for non-syndromic autosomal recessive hearing loss. Review status: no assertion criteria provided. Collection method: research. Allele origin: inherited. Affected: yes. Not counted in ClinVar's aggregate classification.

Literature cited by the submitters: PubMed 16199547 (cited by Labcorp Genetics (formerly Invitae), Labcorp); PubMed 11138009 (cited by Labcorp Genetics (formerly Invitae), Labcorp); PubMed 21940737 (cited by Labcorp Genetics (formerly Invitae), Labcorp); PubMed 8894709 (cited by Labcorp Genetics (formerly Invitae), Labcorp); PubMed 11090341 (cited by Labcorp Genetics (formerly Invitae), Labcorp and Laboratory for Molecular Medicine, Mass General Brigham Personalized Medicine); PubMed 30303587 (cited by University of Washington Center for Mendelian Genomics, University of Washington).

NM_022124.6(CDH23):c.6049+1G>A

Gene: CDH23 (cadherin related 23; plus strand). Cytogenetic location: 10q22.1.
Variant type: single nucleotide variant.
Coding change: c.6049+1G>A on transcript NM_022124.6 (MANE Select); the canonical splice donor site of the intron after coding-DNA position 6049, G replaced by A.
Molecular consequence: splice donor variant.
Genome position (GRCh38, 1-based): chr10:71,790,414, G>A. VCF-style: chr10-71790414-G-A. GRCh37 (hg19) VCF-style: chr10-73550171-G-A.
Identifiers: ClinVar variation 45999 (VCV000045999.13), dbSNP rs111033247, ClinGen allele CA261791.